The following is an entry in ClinVar:

ClinVar aggregate classification (germline): Uncertain significance. Review status: criteria provided, multiple submitters, no conflicts (2 of 4 stars). 2 submissions from 2 submitters: Uncertain significance (2). Last evaluated 2026-02-11.

Conditions:
Inborn genetic diseases. Identifiers: MedGen C0950123, MeSH D030342.

Allele frequency attached by ClinVar (database versions not stated): gnomAD exomes below 0.00001; gnomAD 0.00001.
gnomAD v4.1: 4 of 1,611,818 alleles (0.00025%); highest among the groups gnomAD compares: African/African-American, 0.004%; no homozygotes.

Submissions (2):

GeneDx
Classification: Uncertain significance. Last evaluated: 2026-02-11. Review status: criteria provided, single submitter. Criteria: GeneDx Variant Classification Process June 2021. Collection method: clinical testing. Allele origin: germline.
Comment: Not observed at significant frequency in large population cohorts (gnomAD); In silico analysis suggests that this missense variant does not alter protein structure/function; Has not been previously published as pathogenic or benign to our knowledge

Ambry Genetics
Classification: Uncertain significance for Inborn genetic diseases. Last evaluated: 2024-12-04. Review status: criteria provided, single submitter. Criteria: Ambry Variant Classification Scheme 2023. Collection method: clinical testing. Allele origin: germline.

NM_000337.6(SGCD):c.229C>A (p.Leu77Ile)

Gene: SGCD (sarcoglycan delta; plus strand). Cytogenetic location: 5q33.3.
Variant type: single nucleotide variant.
Coding change: c.229C>A on transcript NM_000337.6 (MANE Select); coding-DNA position 229, C replaced by A.
Protein change: p.Leu77Ile; replaces leucine 77 with isoleucine.
Molecular consequence: missense variant.
Genome position (GRCh38, 1-based): chr5:156,508,637, C>A. VCF-style: chr5-156508637-C-A. GRCh37 (hg19) VCF-style: chr5-155935647-C-A.
Other names: c.226C>A, p.Leu76Ile (NM_001128209.2); c.229C>A, p.Leu77Ile (NM_172244.3); short protein forms L77I, L76I.
Identifiers: ClinVar variation 1789219 (VCV001789219.4), dbSNP rs1164912624, ClinGen allele CA362007993.